The following is an entry in ClinVar:

NM_001267550.2(TTN):c.41483del (p.Pro13828fs)

Gene: TTN (titin; minus strand). Cytogenetic location: 2q31.2.
Variant type: Deletion.
Coding change: c.41483del on transcript NM_001267550.2 (MANE Select); coding-DNA position 41483, one base deleted (C; older notation c.41483delC).
Protein change: p.Pro13828fs; shifts the reading frame from proline 13828.
Molecular consequence: frameshift variant.
Genome position (GRCh38, 1-based): chr2:178,636,088, G deleted on the plus strand (C on the coding strand, the reverse complement: TTN is on the minus strand); the first of 2 consecutive G bases (chr2:178,636,088-178,636,089); deleting either gives the same sequence. VCF-style (leftmost placement, unchanged base first): chr2-178636087-TG-T. GRCh37 (hg19) VCF-style: chr2-179500814-TG-T.
Other names: c.33779delC (NM_133378.4); c.41483del (NM_001267550.1); c.36560del, p.Pro12187fs (NM_001256850.1); c.14288del, p.Pro4763fs (NM_003319.4); c.33779del, p.Pro11260fs (NM_133378.4); c.14663del, p.Pro4888fs (NM_133432.3); c.14864del, p.Pro4955fs (NM_133437.4); c.41483delC (NM_001267550.2); and 1 more; short protein forms P4888fs, P13828fs, P4955fs, P11260fs, P12187fs, P4763fs.
Identifiers: ClinVar variation 228299 (VCV000228299.24), dbSNP rs876657664, ClinGen allele CA10576533.

ClinVar aggregate classification (germline): Likely pathogenic. Review status: criteria provided, multiple submitters, no conflicts (2 of 4 stars). 6 submissions from 6 submitters: Likely pathogenic (6). Last evaluated 2025-10-02.

Conditions:
TTN-related disorder. Also called: TTN-related disorders; TTN-related condition; TTN-related disease.
Cardiovascular phenotype. Identifiers: MedGen CN230736.
Autosomal recessive limb-girdle muscular dystrophy type 2J (LGMDR10). Also called: Limb-girdle muscular dystrophy, type 2J; MUSCULAR DYSTROPHY, LIMB-GIRDLE, AUTOSOMAL RECESSIVE 10. Identifiers: Orphanet 140922, MedGen C1837342, MONDO:0012127, OMIM 608807.
Primary dilated cardiomyopathy (DCM). Also called: Dilated Cardiomyopathy. Identifiers: Orphanet 217604, MedGen C0007193, MeSH D002311, MONDO:0005021, HP:0001644. Inheritance: Various modes of inheritance.
Dilated cardiomyopathy 1G (CMD1G). Identifiers: Orphanet 154, MedGen C1858763, MONDO:0011400, OMIM 604145.

Submissions (6):

GeneDx
Classification: Likely pathogenic. Last evaluated: 2025-10-02. Review status: criteria provided, single submitter. Criteria: GeneDx Variant Classification Process June 2021. Collection method: clinical testing. Allele origin: germline.
Comment: Reported in association with DCM; however, patient-specific clinical detail was not provided (PMID: 37652022); Not observed at significant frequency in large population cohorts (gnomAD); Located in a specific region of the I-band within TTN for which truncating variants are significantly associated with autosomal dominant cardiomyopathy and also with autosomal recessive skeletal myopathies; This variant is associated with the following publications: (PMID: 37652022, 27625338, 27869827, 32778822)

Labcorp Genetics (formerly Invitae), Labcorp
Classification: Likely pathogenic for Dilated cardiomyopathy 1G; Autosomal recessive limb-girdle muscular dystrophy type 2J. Last evaluated: 2025-05-01. Review status: criteria provided, single submitter. Criteria: Invitae Variant Classification Sherloc (09022015). Collection method: clinical testing. Allele origin: germline.
Comment: This sequence change creates a premature translational stop signal (p.Pro13828Glnfs*6) in the TTN gene. While this is not anticipated to result in nonsense mediated decay, it is expected to create a truncated TTN protein. This variant is present in population databases (no rsID available, gnomAD 0.003%). This variant has not been observed in the literature in individuals with autosomal recessive TTN-related conditions. This variant has been reported in individual(s) with clinical features of autosomal dominant dilated cardiomyopathy (PMID: 37652022); however, the role of the variant in this condition is currently unclear. ClinVar contains an entry for this variant (Variation ID: 228299). This variant is located in the I band of TTN (PMID: 25589632). Truncating variants in this region have been reported in individuals affected with autosomal recessive centronuclear myopathy (PMID: 23975875, internal data). Truncating variants in this region have also been identified in individuals affected with autosomal dominant dilated cardiomyopathy and/or cardio-related conditions (PMID: 27869827, 32964742, internal data). In summary, the currently available evidence indicates that the variant is pathogenic, but additional data are needed to prove that conclusively. Therefore, this variant has been classified as Likely Pathogenic.

Ambry Genetics
Classification: Likely pathogenic for Cardiovascular phenotype. Last evaluated: 2024-02-12. Review status: criteria provided, single submitter. Criteria: Ambry Variant Classification Scheme 2023. Collection method: clinical testing. Allele origin: germline.
Comment: The c.14288delC variant, located in coding exon 53 of the TTN gene, results from a deletion of one nucleotide at nucleotide position 14288, causing a translational frameshift with a predicted alternate stop codon (p.P4763Qfs*6). This exon is located in the I-band region of the N2-B isoform of the titin protein and is constitutively expressed in TTN transcripts (percent spliced in or PSI 100%). This variant is considered to be rare based on population cohorts in the Genome Aggregation Database (gnomAD). While truncating variants in TTN are present in 1-3% of the general population, truncating variants in the A-band are the most common cause of dilated cardiomyopathy (DCM) (Herman DS et al. N. Engl. J. Med. 2012 Feb;366:619-28; Roberts AM et al. Sci Transl Med. 2015 Jan;7:270ra6). TTN truncating variants encoded in constitutive exons (PSI >90%) have been found to be significantly associated with DCM regardless of their position in titin (Schafer S et al. Nat. Genet. 2017 Jan;49:46-53). This alteration is expected to result in loss of function by premature protein truncation or nonsense-mediated mRNA decay. As such, this alteration is classified as likely pathogenic.

Women's Health and Genetics/Laboratory Corporation of America, LabCorp
Classification: Likely pathogenic for Autosomal recessive limb-girdle muscular dystrophy type 2J. Last evaluated: 2024-01-16. Review status: criteria provided, single submitter. Criteria: LabCorp Variant Classification Summary - May 2015. Collection method: clinical testing. Allele origin: germline.
Comment: Variant summary: TTN c.33779delC (p.Pro11260GlnfsX6) results in a premature termination codon, predicted to cause a truncation of the encoded protein or absence of the protein due to nonsense mediated decay, which are commonly known mechanisms for disease. The variant allele was found at a frequency of 4e-06 in 248406 control chromosomes (gnomAD). To our knowledge, no occurrence of c.33779delC in individuals affected with Limb-Girdle Muscular Dystrophy, Type 2J and no experimental evidence demonstrating its impact on protein function have been reported. Nonsense, frameshift, and canonical splice-site variants in TTN are strongly associated with DCM when they affect exons encoding for the A-band region (PMIDs: 22335739, 24503780) and/or exons constitutively expressed (proportion spliced in [PSI]>0.9) in the primary cardiac isoforms (PMIDs: 25589632, 31216868, 32964742, 27869827), which is the case for this variant (I band with a PSI score of 100%). ClinVar contains an entry for this variant (Variation ID: 228299). Based on the evidence outlined above, the variant was classified as likely pathogenic.

PreventionGenetics, part of Exact Sciences
Classification: Likely pathogenic for TTN-related condition. Last evaluated: 2023-02-14. Review status: criteria provided, single submitter. Criteria: ACMG Guidelines, 2015. Collection method: clinical testing. Allele origin: germline.
Comment: The TTN c.41483delC variant is predicted to result in a frameshift and premature protein termination (p.Pro13828Glnfs*6). This variant occurs within the I-band region of the titin protein. RNAseq studies from heart tissue indicate this exon is commonly included in TTN mRNA transcripts (PSI of 100%, Roberts AM et al. 2015. PubMed ID: 25589632). TTN truncating variants are reported in 1-2% of presumably healthy individuals, but occur more frequently in exons with low PSI values (Roberts AM et al. 2015. PubMed ID: 25589632; Herman DS et al. 2012. PubMed ID: 22335739). To our knowledge, this variant has not been reported in the literature. This variant is reported in 0.0029% of alleles in individuals of Latino descent in gnomAD. Of note, truncating TTN variants in constitutive exons (PSI > 90%) are significantly associated with dilated cardiomyopathy (DCM) irrespective of their position in TTN (Schafer S et al. 2017. PubMed ID: 27869827). In addition, truncating TTN mutations have also been associated with autosomal recessive congenital myopathy (Ceyhan-Birsoy O et al. 2013. PubMed ID: 23975875). Therefore, the c.41483delC (p.Pro13828Glnfs*6) variant is interpreted as likely pathogenic for recessive and dominant TTN-related disorders.

Laboratory for Molecular Medicine, Mass General Brigham Personalized Medicine
Classification: Likely pathogenic for Primary dilated cardiomyopathy. Last evaluated: 2021-08-23. Review status: criteria provided, single submitter. Criteria: ACMG Guidelines, 2015. Collection method: clinical testing. Allele origin: germline. Inheritance: Autosomal dominant inheritance.
Comment: proposed classification - variant undergoing re-assessment, contact laboratory

Literature cited by the submitters: PubMed 37652022 (cited by Labcorp Genetics (formerly Invitae), Labcorp); PubMed 25589632 (cited by Labcorp Genetics (formerly Invitae), Labcorp and Laboratory for Molecular Medicine, Mass General Brigham Personalized Medicine); PubMed 23975875 (cited by Labcorp Genetics (formerly Invitae), Labcorp); PubMed 27869827 (cited by Labcorp Genetics (formerly Invitae), Labcorp and Laboratory for Molecular Medicine, Mass General Brigham Personalized Medicine); PubMed 32964742 (cited by Labcorp Genetics (formerly Invitae), Labcorp); PubMed 22335739 (cited by Laboratory for Molecular Medicine, Mass General Brigham Personalized Medicine); PubMed 24503780 (cited by Laboratory for Molecular Medicine, Mass General Brigham Personalized Medicine).